The following is an entry in ClinVar:

NM_004998.4(MYO1E):c.-30G>A

Gene: MYO1E (myosin IE; minus strand). Cytogenetic location: 15q22.2.
Variant type: single nucleotide variant.
Coding change: c.-30G>A on transcript NM_004998.4 (MANE Select); 30 bases upstream of the start codon, G replaced by A.
Molecular consequence: 5 prime UTR variant.
Genome position (GRCh38, 1-based): chr15:59,372,530, C>T on the plus strand (G>A on the coding strand, the complement: MYO1E is on the minus strand). VCF-style: chr15-59372530-C-T. GRCh37 (hg19) VCF-style: chr15-59664729-C-T.
Identifiers: ClinVar variation 977119 (VCV000977119.2), dbSNP rs767828946, ClinGen allele CA1139664015.

ClinVar aggregate classification (germline): drug response (0 of 4 stars; one submission).

Conditions:
Corticosteroids response. Also called: Corticosteroid response.

Submission:

Genetic Testing Lab, Ashok and Rita Patel Institute of Integrated Study and Research in Biotechnology and Allied Sciences
Classification: drug response for Corticosteroid response. Last evaluated: 2020-01-12. Review status: no assertion criteria provided. Collection method: research. Allele origin: somatic. Affected: yes. Observed: 27 variant alleles.
Comment: Depending upon patients response to standard corticosteroids therapy, they were classified to be either Steroid resistance(SRNS) or steroid sensitive(SSNS)